The following is an entry in ClinVar:

ClinVar aggregate classification (germline): Uncertain significance. Review status: criteria provided, multiple submitters, no conflicts (2 of 4 stars). 4 submissions from 4 submitters: Uncertain significance (4). Last evaluated 2026-03-26.

Conditions:
TTN-related disorder. Also called: TTN-related disorders; TTN-related condition; TTN-related disease.
Dilated cardiomyopathy 1G (CMD1G). Identifiers: Orphanet 154, MedGen C1858763, MONDO:0011400, OMIM 604145.
Early-onset myopathy with fatal cardiomyopathy (CMYO5). Also called: CONGENITAL MYOPATHY 5 WITH CARDIOMYOPATHY; Salih Myopathy. Identifiers: Orphanet 289377, MedGen C2673677, MONDO:0012714, OMIM 611705. Disease mechanism: loss of function.
Autosomal recessive limb-girdle muscular dystrophy type 2J (LGMDR10). Also called: Limb-girdle muscular dystrophy, type 2J; MUSCULAR DYSTROPHY, LIMB-GIRDLE, AUTOSOMAL RECESSIVE 10. Identifiers: Orphanet 140922, MedGen C1837342, MONDO:0012127, OMIM 608807.
Tibial muscular dystrophy (TMD). Also called: Tibial muscular dystrophy, tardive; Udd Distal Myopathy – Tibial Muscular Dystrophy; UDD MYOPATHY. Identifiers: Orphanet 609, MedGen C1838244, MONDO:0010870, OMIM 600334.
Myopathy, myofibrillar, 9, with early respiratory failure (MFM9). Also called: Myopathy, distal, with early respiratory failure, autosomal dominant; MYOPATHY, PROXIMAL, WITH EARLY RESPIRATORY MUSCLE INVOLVEMENT; Hereditary myopathy with early respiratory failure; EDSTROM MYOPATHY. Identifiers: Orphanet 178464, Orphanet 34521, MedGen C1863599, MONDO:0011362, OMIM 603689.
Hypertrophic cardiomyopathy 9. Also called: Familial hypertrophic cardiomyopathy 9. Identifiers: MedGen C1861065, MONDO:0013412, OMIM 613765.

Allele frequency attached by ClinVar (database versions not stated): gnomAD exomes below 0.00001 and 0.00001; TOPMed 0.00008; gnomAD 0.00009 and 0.00011.
gnomAD v4.1: 33 of 1,612,898 alleles (0.002%); highest among the groups gnomAD compares: African/African-American, 0.041%; no homozygotes.

Submissions (4):

PreventionGenetics, part of Exact Sciences
Classification: Uncertain significance for TTN-related condition. Last evaluated: 2026-03-26. Review status: criteria provided, single submitter. Criteria: ACMG Guidelines, 2015. Collection method: clinical testing. Allele origin: germline.
Comment: The TTN c.97433A>C variant is predicted to result in the amino acid substitution p.Asn32478Thr. To our knowledge, this variant has not been reported in the literature. This variant is reported in 0.029% of alleles in individuals of African descent in gnomAD. At this time, the clinical significance of this variant is uncertain due to the absence of conclusive functional and genetic evidence.

Revvity Omics, Revvity
Classification: Uncertain significance. Last evaluated: 2025-03-04. Review status: criteria provided, single submitter. Criteria: ACMG Guidelines, 2015. Collection method: clinical testing. Allele origin: germline.

Fulgent Genetics
Classification: Uncertain significance for Tibial muscular dystrophy; Myopathy, myofibrillar, 9, with early respiratory failure; Dilated cardiomyopathy 1G; Autosomal recessive limb-girdle muscular dystrophy type 2J; Early-onset myopathy with fatal cardiomyopathy; Hypertrophic cardiomyopathy 9. Last evaluated: 2022-02-14. Review status: criteria provided, single submitter. Criteria: ACMG Guidelines, 2015. Collection method: clinical testing. Allele origin: unknown.

Laboratory for Molecular Medicine, Mass General Brigham Personalized Medicine
Classification: Uncertain significance. Last evaluated: 2015-07-29. Review status: criteria provided, single submitter. Criteria: LMM Criteria. Collection method: clinical testing. Allele origin: germline. Observed: 1 variant allele.
Comment: The p.Asn29910Thr variant in TTN has not been previously reported in individuals with cardiomyopathy or in large population studies. Computational prediction to ols and conservation analysis suggest that this variant may impact the protein, though this information is not predictive enough to determine pathogenicity. In summary, the clinical significance of the p.Asn29910Thr variant is uncertain.

NM_001267550.2(TTN):c.97433A>C (p.Asn32478Thr)

Genes: TTN-AS1 (TTN antisense RNA 1; plus strand), TTN (titin; minus strand). Cytogenetic location: 2q31.2.
Variant type: single nucleotide variant.
Coding change: c.97433A>C on transcript NM_001267550.2 (MANE Select); coding-DNA position 97433, A replaced by C.
Protein change: p.Asn32478Thr; replaces asparagine 32478 with threonine.
Molecular consequence: missense variant. On other transcripts: non-coding transcript variant (1).
Genome position (GRCh38, 1-based): chr2:178,542,323, T>G on the plus strand (A>C on the coding strand, the complement: TTN is on the minus strand). VCF-style: chr2-178542323-T-G. GRCh37 (hg19) VCF-style: chr2-179407050-T-G.
Other names: c.92510A>C, p.Asn30837Thr (NM_001256850.1); c.70238A>C, p.Asn23413Thr (NM_003319.4); c.70613A>C, p.Asn23538Thr (NM_133432.3); c.70814A>C, p.Asn23605Thr (NM_133437.4); c.89729A>C, p.Asn29910Thr (NM_133378.4); short protein forms N29910T, N32478T, N23605T, N23538T, N30837T, N23413T.
Identifiers: ClinVar variation 229555 (VCV000229555.10), dbSNP rs876658096, ClinGen allele CA10576455.